The following is an entry in ClinVar:

ClinVar aggregate classification (germline): Conflicting classifications of pathogenicity. Review status: criteria provided, conflicting classifications (1 of 4 stars). 2 submissions from 1 submitter: Uncertain significance (1); Benign (1). Last evaluated 2018-01-12.

Conditions:
Autosomal dominant nonsyndromic hearing loss 17. Also called: Autosomal dominant nonsyndromic deafness 17; Deafness, autosomal dominant 17. Identifiers: Orphanet 90635, MedGen C1863659, MONDO:0011350, OMIM 603622.
MYH9-related disorder. Identifiers: MedGen C1854520.

Allele frequency attached by ClinVar (database versions not stated): TOPMed below 0.00001; gnomAD 0.00001; ExAC 0.00004.
gnomAD v4.1: 63 of 1,613,734 alleles (0.0039%); highest among the groups gnomAD compares: South Asian, 0.016%; 1 homozygote.

Submissions (2):

Illumina Laboratory Services, Illumina
Classification: Uncertain significance for Autosomal dominant nonsyndromic hearing loss 17. Last evaluated: 2018-01-12. Review status: criteria provided, single submitter. Criteria: ICSL Variant Classification Criteria 13 December 2019. Collection method: clinical testing. Allele origin: germline.

Illumina Laboratory Services, Illumina
Classification: Benign for MYH9-related disorder. Last evaluated: 2018-01-12. Review status: criteria provided, single submitter. Criteria: ICSL Variant Classification Criteria 13 December 2019. Collection method: clinical testing. Allele origin: germline.
Comment: This variant was observed in the ICSL laboratory as part of a predisposition screen in an ostensibly healthy population. It had not been previously curated by ICSL or reported in the Human Gene Mutation Database (HGMD: prior to June 1st, 2018), and was therefore a candidate for classification through an automated scoring system. Utilizing variant allele frequency, disease prevalence and penetrance estimates, and inheritance mode, an automated score was calculated to assess if this variant is too frequent to cause the disease. Based on the score and internal cut-off values, a variant classified as benign is not then subjected to further curation. The score for this variant resulted in a classification of benign for this disease.

NM_002473.6(MYH9):c.2607G>A (p.Thr869=)

Gene: MYH9 (myosin heavy chain 9; minus strand). Cytogenetic location: 22q12.3.
Variant type: single nucleotide variant.
Coding change: c.2607G>A on transcript NM_002473.6 (MANE Select); coding-DNA position 2607, G replaced by A.
Protein change: p.Thr869=; no amino-acid change (threonine 869 retained).
Molecular consequence: synonymous variant.
Genome position (GRCh38, 1-based): chr22:36,301,558, C>T on the plus strand (G>A on the coding strand, the complement: MYH9 is on the minus strand). VCF-style: chr22-36301558-C-T. GRCh37 (hg19) VCF-style: chr22-36697604-C-T.
Identifiers: ClinVar variation 900008 (VCV000900008.4), dbSNP rs751880371, ClinGen allele CA10209924.